The following is an entry in ClinVar:

ClinVar aggregate classification (germline): Benign/Likely benign. Review status: criteria provided, multiple submitters, no conflicts (2 of 4 stars). 2 submissions from 2 submitters: Benign (1); Likely benign (1). Last evaluated 2024-12-19.

Conditions:
Hereditary cancer-predisposing syndrome. Also called: Hereditary Cancer Syndrome; Neoplastic Syndromes, Hereditary; Tumor predisposition; Hereditary neoplastic syndrome. Identifiers: Orphanet 140162, MedGen C0027672, MeSH D009386, MONDO:0015356.
Lynch syndrome 5 (LYNCH5). Also called: Colorectal cancer, hereditary nonpolyposis, type 5; Hereditary non-polyposis colorectal cancer, type 5. Identifiers: Orphanet 144, MedGen C1833477, MONDO:0013710, OMIM 614350. Disease mechanism: loss of function.

gnomAD v4.1: 1 of 1,609,848 alleles (0.000062%); highest among the groups gnomAD compares: Non-Finnish European, 0.000085%; no homozygotes.

Submissions (2):

Myriad Genetics, Inc.
Classification: Benign for Lynch syndrome 5. Last evaluated: 2024-12-19. Review status: criteria provided, single submitter. Criteria: Myriad Autosomal Dominant, Autosomal Recessive and X-Linked Classification Criteria (2023). Collection method: clinical testing. Allele origin: unknown.
Comment: This variant is considered benign. This variant is a silent/synonymous amino acid change and it is not expected to impact splicing.

Ambry Genetics
Classification: Likely benign for Hereditary cancer-predisposing syndrome. Last evaluated: 2016-10-03. Review status: criteria provided, single submitter. Criteria: Ambry Variant Classification Scheme 2023. Collection method: clinical testing. Allele origin: germline.

NM_000179.3(MSH6):c.630A>T (p.Val210=)

Gene: MSH6 (mutS homolog 6; plus strand). Cytogenetic location: 2p16.3.
Variant type: single nucleotide variant.
Coding change: c.630A>T on transcript NM_000179.3 (MANE Select); coding-DNA position 630, A replaced by T.
Protein change: p.Val210=; no amino-acid change (valine 210 retained).
Molecular consequence: synonymous variant. On other transcripts: 5 prime UTR variant (8), non-coding transcript variant (4), intron variant (1), splice acceptor variant (1).
Genome position (GRCh38, 1-based): chr2:47,798,613, A>T. VCF-style: chr2-47798613-A-T. GRCh37 (hg19) VCF-style: chr2-48025752-A-T.
Other names: c.240A>T, p.Val80= (NM_001281492.2); c.-277A>T (NM_001281493.2, NM_001406811.1, NM_001406812.1 and 5 more transcripts); c.726A>T, p.Val242= (NM_001406795.1, NM_001406802.1); c.630A>T, p.Val210= (NM_001406796.1, NM_001406798.1, NM_001406800.1 and 4 more transcripts); c.333A>T, p.Val111= (NM_001406797.1, NM_001406801.1, NM_001406805.1 and 10 more transcripts); c.105A>T, p.Val35= (NM_001406799.1, NM_001406806.1, NM_001406807.1); c.552A>T, p.Val184= (NM_001406804.1); c.636A>T, p.Val212= (NM_001406813.1); and 3 more.
Identifiers: ClinVar variation 480924 (VCV000480924.6), dbSNP rs1553412038, ClinGen allele CA425995744.
Genomic context (GRCh38, chr2:47,798,613, plus strand): 5'-TACATTATGGTTTTCCAAATTTTGATTTGTTTTTAAATACTCTTTCCTTGCCTGGCAGGT[A>T]GGCACAACTTACGTAACAGATAAGAGTGAAGAAGATAATGAAATTGAGAGTGAAGAGGAA-3'
Protein context (NP_000170.1, residues 200-220): SEPEEEEEME[Val210=]GTTYVTDKSE